The following is an entry in ClinVar:

ClinVar aggregate classification (germline): Uncertain significance (1 of 4 stars; one submission).

Conditions:
Pitt-Hopkins-like syndrome 2 (PTHSL2). Identifiers: Orphanet 221150, Orphanet 600663, MedGen C3280479, MONDO:0013690, OMIM 614325.

Allele frequency attached by ClinVar (database versions not stated): gnomAD exomes 0.00002.
gnomAD v4.1: 14 of 1,614,062 alleles (0.00087%); highest among the groups gnomAD compares: Non-Finnish European, 0.0012%; no homozygotes.

Submission:

Labcorp Genetics (formerly Invitae), Labcorp
Classification: Uncertain significance for Pitt-Hopkins-like syndrome 2. Last evaluated: 2025-06-02. Review status: criteria provided, single submitter. Criteria: Invitae Variant Classification Sherloc (09022015). Collection method: clinical testing. Allele origin: germline.
Comment: This sequence change replaces glycine, which is neutral and non-polar, with valine, which is neutral and non-polar, at codon 1330 of the NRXN1 protein (p.Gly1330Val). This variant is not present in population databases (gnomAD no frequency). This variant has not been reported in the literature in individuals affected with NRXN1-related conditions. ClinVar contains an entry for this variant (Variation ID: 573592). Invitae Evidence Modeling of protein sequence and biophysical properties (such as structural, functional, and spatial information, amino acid conservation, physicochemical variation, residue mobility, and thermodynamic stability) indicates that this missense variant is not expected to disrupt NRXN1 protein function with a negative predictive value of 80%. In summary, the available evidence is currently insufficient to determine the role of this variant in disease. Therefore, it has been classified as a Variant of Uncertain Significance.

NM_001330078.2(NRXN1):c.3869G>T (p.Gly1290Val)

Gene: NRXN1 (neurexin 1; minus strand). Cytogenetic location: 2p16.3.
Variant type: single nucleotide variant.
Coding change: c.3869G>T on transcript NM_001330078.2 (MANE Select); coding-DNA position 3869, G replaced by T.
Protein change: p.Gly1290Val; replaces glycine 1290 with valine.
Molecular consequence: missense variant.
Genome position (GRCh38, 1-based): chr2:50,053,530, C>A on the plus strand (G>T on the coding strand, the complement: NRXN1 is on the minus strand). VCF-style: chr2-50053530-C-A. GRCh37 (hg19) VCF-style: chr2-50280668-C-A.
Other names: c.3989G>T, p.Gly1330Val (NM_001135659.3); c.3845G>T, p.Gly1282Val (NM_001330077.2, NM_001330082.2); c.3713G>T, p.Gly1238Val (NM_001330083.2); c.3803G>T, p.Gly1268Val (NM_001330084.2); c.3842G>T, p.Gly1281Val (NM_001330085.2); c.3869G>T, p.Gly1290Val (NM_001330086.2); c.3668G>T, p.Gly1223Val (NM_001330087.2, NM_001330096.2); c.3698G>T, p.Gly1233Val (NM_001330088.2); and 6 more; short protein forms G1330V, G1243V, G1281V, G225V, G255V, G1223V, G1238V, G1286V.
Identifiers: ClinVar variation 573592 (VCV000573592.8), dbSNP rs1558777086, ClinGen allele CA346819875.